The following is an entry in ClinVar:

ClinVar aggregate classification (germline): Pathogenic (1 of 4 stars; one submission).

Submission:

Labcorp Genetics (formerly Invitae), Labcorp
Classification: Pathogenic. Last evaluated: 2024-07-26. Review status: criteria provided, single submitter. Criteria: Invitae Variant Classification Sherloc (09022015). Collection method: clinical testing. Allele origin: germline.
Comment: This sequence change creates a premature translational stop signal (p.Trp845*) in the NBAS gene. It is expected to result in an absent or disrupted protein product. Loss-of-function variants in NBAS are known to be pathogenic (PMID: 26073778, 26541327, 27789416, 28031453). This variant is not present in population databases (gnomAD no frequency). This variant has not been reported in the literature in individuals affected with NBAS-related conditions. For these reasons, this variant has been classified as Pathogenic.

Literature cited by the submitters: PubMed 26073778; PubMed 26541327; PubMed 27789416; PubMed 28031453.

NM_015909.4(NBAS):c.2535G>A (p.Trp845Ter)

Gene: NBAS (NBAS subunit of NRZ tethering complex; minus strand). Cytogenetic location: 2p24.3.
Variant type: single nucleotide variant.
Coding change: c.2535G>A on transcript NM_015909.4 (MANE Select); coding-DNA position 2535, G replaced by A.
Protein change: p.Trp845Ter; replaces tryptophan 845 with a stop codon.
Molecular consequence: nonsense. On other transcripts: non-coding transcript variant (1).
Genome position (GRCh38, 1-based): chr2:15,424,357, C>T on the plus strand (G>A on the coding strand, the complement: NBAS is on the minus strand). VCF-style: chr2-15424357-C-T. GRCh37 (hg19) VCF-style: chr2-15564481-C-T.
Other names: short protein forms W845*.
Identifiers: ClinVar variation 3679430 (VCV003679430.2).